The following is an entry in ClinVar:

ClinVar aggregate classification (germline): Uncertain significance (1 of 4 stars; one submission).

Submission:

GeneDx
Classification: Uncertain significance. Last evaluated: 2025-05-09. Review status: criteria provided, single submitter. Criteria: GeneDx Variant Classification Process June 2021. Collection method: clinical testing. Allele origin: germline.
Comment: Not observed at significant frequency in large population cohorts (gnomAD); In silico analysis supports that this missense variant has a deleterious effect on protein structure/function; Has not been previously published as pathogenic or benign to our knowledge

NM_014727.3(KMT2B):c.3217C>T (p.Arg1073Cys)

Gene: KMT2B (lysine methyltransferase 2B; plus strand). Cytogenetic location: 19q13.12.
Variant type: single nucleotide variant.
Coding change: c.3217C>T on transcript NM_014727.3 (MANE Select); coding-DNA position 3217, C replaced by T.
Protein change: p.Arg1073Cys; replaces arginine 1073 with cysteine.
Molecular consequence: missense variant.
Genome position (GRCh38, 1-based): chr19:35,723,890, C>T. VCF-style: chr19-35723890-C-T. GRCh37 (hg19) VCF-style: chr19-36214791-C-T.
Other names: short protein forms R1073C.
Identifiers: ClinVar variation 3573876 (VCV003573876.2).
Genomic context (GRCh38, chr19:35,723,890, plus strand): 5'-GGGCCCCGGGAGGAGGTGGTGGCCCACCCAGGGCCCGAGGAGCAGGACTCCCTCCTGCAG[C>T]GCAAGTCAGCTCGGCGCTGCGTCAAACAGCGACCCTCCTATGATATCTTCGAGGATTCGG-3'
Protein context (NP_055542.1, residues 1063-1083): GPEEQDSLLQ[Arg1073Cys]KSARRCVKQR